The following is an entry in ClinVar:

NM_003680.4(YARS1):c.*439T>C

Gene: YARS1 (tyrosyl-tRNA synthetase 1; minus strand). Cytogenetic location: 1p35.1.
Variant type: single nucleotide variant.
Coding change: c.*439T>C on transcript NM_003680.4 (MANE Select); 439 bases downstream of the stop codon, T replaced by C.
Molecular consequence: 3 prime UTR variant.
Genome position (GRCh38, 1-based): chr1:32,775,542, A>G on the plus strand (T>C on the coding strand, the complement: YARS1 is on the minus strand). VCF-style: chr1-32775542-A-G. GRCh37 (hg19) VCF-style: chr1-33241143-A-G.
Identifiers: ClinVar variation 297139 (VCV000297139.5), dbSNP rs184249741, ClinGen allele CA10610911.

ClinVar aggregate classification (germline): Benign (1 of 4 stars; one submission).

Conditions:
Charcot-Marie-Tooth disease dominant intermediate C (CMTDIC). Also called: CHARCOT-MARIE-TOOTH NEUROPATHY, DOMINANT INTERMEDIATE C. Identifiers: Orphanet 100045, MedGen C1842237, MONDO:0012012, OMIM 608323.

Allele frequency attached by ClinVar (database versions not stated): 1000 Genomes Project 0.00100; 1000 Genomes Project 30x 0.00109; gnomAD exomes 0.00252; gnomAD 0.00285 and 0.00294; TOPMed 0.00320.
gnomAD v4.1: 501 of 177,204 alleles (0.28%); highest among the groups gnomAD compares: Non-Finnish European, 0.47%; 1 homozygote.

Submission:

Illumina Laboratory Services, Illumina
Classification: Benign for Charcot-Marie-Tooth disease dominant intermediate C. Last evaluated: 2018-01-12. Review status: criteria provided, single submitter. Criteria: ICSL Variant Classification Criteria 13 December 2019. Collection method: clinical testing. Allele origin: germline.
Comment: This variant was observed in the ICSL laboratory as part of a predisposition screen in an ostensibly healthy population. It had not been previously curated by ICSL or reported in the Human Gene Mutation Database (HGMD: prior to June 1st, 2018), and was therefore a candidate for classification through an automated scoring system. Utilizing variant allele frequency, disease prevalence and penetrance estimates, and inheritance mode, an automated score was calculated to assess if this variant is too frequent to cause the disease. Based on the score and internal cut-off values, a variant classified as benign is not then subjected to further curation. The score for this variant resulted in a classification of benign for this disease.